The following is an entry in ClinVar:

NM_001563.4(IMPG1):c.470G>C (p.Arg157Thr)

Gene: IMPG1 (interphotoreceptor matrix proteoglycan 1; minus strand). Cytogenetic location: 6q14.1.
Variant type: single nucleotide variant.
Coding change: c.470G>C on transcript NM_001563.4 (MANE Select); coding-DNA position 470, G replaced by C.
Protein change: p.Arg157Thr; replaces arginine 157 with threonine.
Molecular consequence: missense variant.
Genome position (GRCh38, 1-based): chr6:76,034,342, C>G on the plus strand (G>C on the coding strand, the complement: IMPG1 is on the minus strand). VCF-style: chr6-76034342-C-G. GRCh37 (hg19) VCF-style: chr6-76744059-C-G.
Other names: c.236G>C, p.Arg79Thr (NM_001282368.2); short protein forms R157T, R79T.
Identifiers: ClinVar variation 1368481 (VCV001368481.8), dbSNP rs754635718, ClinGen allele CA3898501.

ClinVar aggregate classification (germline): Uncertain significance (1 of 4 stars; one submission).

gnomAD v4.1: 7 of 1,612,722 alleles (0.00043%); highest among the groups gnomAD compares: South Asian, 0.0077%; no homozygotes.

Submission:

Labcorp Genetics (formerly Invitae), Labcorp
Classification: Uncertain significance. Last evaluated: 2021-07-18. Review status: criteria provided, single submitter. Criteria: Invitae Variant Classification Sherloc (09022015). Collection method: clinical testing. Allele origin: germline.
Comment: In summary, the available evidence is currently insufficient to determine the role of this variant in disease. Therefore, it has been classified as a Variant of Uncertain Significance. Algorithms developed to predict the effect of missense changes on protein structure and function are either unavailable or do not agree on the potential impact of this missense change (SIFT: "Deleterious"; PolyPhen-2: "Possibly Damaging"; Align-GVGD: "Class C0"). This variant has not been reported in the literature in individuals affected with IMPG1-related conditions. This variant is present in population databases (rs754635718, ExAC 0.006%). This sequence change replaces arginine with threonine at codon 157 of the IMPG1 protein (p.Arg157Thr). The arginine residue is highly conserved and there is a moderate physicochemical difference between arginine and threonine.